The following is an entry in ClinVar:

ClinVar aggregate classification (germline): Likely pathogenic (1 of 4 stars; one submission).

Conditions:
Autosomal recessive limb-girdle muscular dystrophy type 2J (LGMDR10). Also called: Limb-girdle muscular dystrophy, type 2J; MUSCULAR DYSTROPHY, LIMB-GIRDLE, AUTOSOMAL RECESSIVE 10. Identifiers: Orphanet 140922, MedGen C1837342, MONDO:0012127, OMIM 608807.
Dilated cardiomyopathy 1G (CMD1G). Identifiers: Orphanet 154, MedGen C1858763, MONDO:0011400, OMIM 604145.

Submission:

Labcorp Genetics (formerly Invitae), Labcorp
Classification: Likely pathogenic for Dilated cardiomyopathy 1G; Autosomal recessive limb-girdle muscular dystrophy type 2J. Last evaluated: 2023-10-27. Review status: criteria provided, single submitter. Criteria: Invitae Variant Classification Sherloc (09022015). Collection method: clinical testing. Allele origin: germline.
Comment: This sequence change creates a premature translational stop signal (p.Lys19711Argfs*48) in the TTN gene. While this is not anticipated to result in nonsense mediated decay, it is expected to create a truncated TTN protein. This variant is not present in population databases (gnomAD no frequency). This variant has not been reported in the literature in individuals affected with TTN-related conditions. This variant is located in the A band of TTN (PMID: 25589632). Truncating variants in this region are significantly overrepresented in patients affected with dilated cardiomyopathy (PMID: 25589632). Truncating variants in this region have also been reported in individuals affected with autosomal recessive centronuclear myopathy (PMID: 23975875). In summary, the currently available evidence indicates that the variant is pathogenic, but additional data are needed to prove that conclusively. Therefore, this variant has been classified as Likely Pathogenic.

Literature cited by the submitters: PubMed 25589632; PubMed 23975875.

NM_001267550.2(TTN):c.59132del (p.Lys19711fs)

Genes: TTN-AS1 (TTN antisense RNA 1; plus strand), TTN (titin; minus strand). Cytogenetic location: 2q31.2.
Variant type: Deletion.
Coding change: c.59132del on transcript NM_001267550.2 (MANE Select); coding-DNA position 59132, one base deleted (A; older notation c.59132delA).
Protein change: p.Lys19711fs; shifts the reading frame from lysine 19711.
Molecular consequence: frameshift variant.
Genome position (GRCh38, 1-based): chr2:178,592,987, T deleted on the plus strand (A on the coding strand, the reverse complement: TTN is on the minus strand); the first of 2 consecutive T bases (chr2:178,592,987-178,592,988); deleting either gives the same sequence. VCF-style (leftmost placement, unchanged base first): chr2-178592986-CT-C. GRCh37 (hg19) VCF-style: chr2-179457713-CT-C.
Other names: c.54209del, p.Lys18070fs (NM_001256850.1); c.31937del, p.Lys10646fs (NM_003319.4); c.51428del, p.Lys17143fs (NM_133378.4); c.32312del, p.Lys10771fs (NM_133432.3); c.32513del, p.Lys10838fs (NM_133437.4); short protein forms K10771fs, K10838fs, K18070fs, K17143fs, K10646fs, K19711fs.
Identifiers: ClinVar variation 2953321 (VCV002953321.3), dbSNP rs2469556401, ClinGen allele CA2740090960.